The following is an entry in ClinVar:

ClinVar aggregate classification (germline): Uncertain significance. Review status: criteria provided, multiple submitters, no conflicts (2 of 4 stars). 4 submissions from 4 submitters: Uncertain significance (4). Last evaluated 2025-10-10.

Conditions:
Familial thoracic aortic aneurysm and aortic dissection (TAAD). Also called: Thoracic aortic aneurysms and dissections. Identifiers: Orphanet 91387, MedGen C4707243, MONDO:0019625.

gnomAD v4.1: 1 of 1,613,616 alleles (0.000062%); no homozygotes.

Submissions (4):

Labcorp Genetics (formerly Invitae), Labcorp
Classification: Uncertain significance for Familial thoracic aortic aneurysm and aortic dissection. Last evaluated: 2025-10-10. Review status: criteria provided, single submitter. Criteria: Invitae Variant Classification Sherloc (09022015). Collection method: clinical testing. Allele origin: germline.
Comment: This sequence change replaces alanine, which is neutral and non-polar, with glycine, which is neutral and non-polar, at codon 33 of the TGFBR1 protein (p.Ala33Gly). This variant is not present in population databases (gnomAD no frequency). This variant has not been reported in the literature in individuals affected with TGFBR1-related conditions. ClinVar contains an entry for this variant (Variation ID: 919533). Experimental studies and prediction algorithms are not available or were not evaluated, and the functional significance of this variant is currently unknown. In summary, the available evidence is currently insufficient to determine the role of this variant in disease. Therefore, it has been classified as a Variant of Uncertain Significance.

Ambry Genetics
Classification: Uncertain significance for Familial thoracic aortic aneurysm and aortic dissection. Last evaluated: 2024-03-27. Review status: criteria provided, single submitter. Criteria: Ambry Variant Classification Scheme 2023. Collection method: clinical testing. Allele origin: germline.
Comment: The p.A33G variant (also known as c.98C>G) is located in coding exon 2 of the TGFBR1 gene. The alanine at codon 33 is replaced by glycine, an amino acid with similar properties. This change occurs in the first base pair of coding exon 2. This amino acid position is conserved. In addition, this alteration is predicted to be tolerated by in silico analysis. Based on the available evidence, the clinical significance of this alteration remains unclear.

GeneDx
Classification: Uncertain significance. Last evaluated: 2023-12-27. Review status: criteria provided, single submitter. Criteria: GeneDx Variant Classification Process June 2021. Collection method: clinical testing. Allele origin: germline. Affected: yes.
Comment: Has not been previously published as pathogenic or benign to our knowledge; Not observed at significant frequency in large population cohorts (gnomAD); In silico analysis supports that this missense variant does not alter protein structure/function

Color Diagnostics, LLC DBA Color Health
Classification: Uncertain significance for Familial thoracic aortic aneurysm and aortic dissection. Last evaluated: 2021-01-27. Review status: criteria provided, single submitter. Criteria: ACMG Guidelines, 2015. Collection method: clinical testing. Allele origin: germline.
Comment: This variant is located in the TGFBR1 protein. Computational prediction suggests that this variant may not impact protein structure and function (internally defined REVEL score threshold <= 0.5, PMID: 27666373). To our knowledge, functional studies have not been reported for this variant. This variant has not been reported in individuals affected with cardiovascular disorders in the literature. This variant has not been identified in the general population by the Genome Aggregation Database (gnomAD). The available evidence is insufficient to determine the role of this variant in disease conclusively. Therefore, this variant is classified as a Variant of Uncertain Significance.

NM_004612.4(TGFBR1):c.98C>G (p.Ala33Gly)

Gene: TGFBR1 (transforming growth factor beta receptor 1; plus strand). Cytogenetic location: 9q22.33.
Variant type: single nucleotide variant.
Coding change: c.98C>G on transcript NM_004612.4 (MANE Select); coding-DNA position 98, C replaced by G.
Protein change: p.Ala33Gly; replaces alanine 33 with glycine.
Molecular consequence: missense variant.
Genome position (GRCh38, 1-based): chr9:99,128,855, C>G. VCF-style: chr9-99128855-C-G. GRCh37 (hg19) VCF-style: chr9-101891137-C-G.
Other names: c.98C>G, p.Ala33Gly (NM_001130916.3, NM_001306210.2); c.98C>G (NM_004612.2); short protein forms A33G.
Identifiers: ClinVar variation 919533 (VCV000919533.10), dbSNP rs1554698880, ClinGen allele CA374224883.